The following is an entry in ClinVar:

ClinVar aggregate classification (germline): Uncertain significance (1 of 4 stars; one submission).

Conditions:
Neurodevelopmental disorder with or without hyperkinetic movements and seizures, autosomal dominant. Also called: Intellectual disability, autosomal dominant 8. Identifiers: MedGen C3280282, MONDO:0013655, OMIM 614254.

Submission:

Labcorp Genetics (formerly Invitae), Labcorp
Classification: Uncertain significance for Neurodevelopmental disorder with or without hyperkinetic movements and seizures, autosomal dominant. Last evaluated: 2022-04-24. Review status: criteria provided, single submitter. Criteria: Invitae Variant Classification Sherloc (09022015). Collection method: clinical testing. Allele origin: germline.
Comment: This variant results in a copy number gain of the genomic region encompassing exon(s) 2-20 of the GRIN1 gene. This region includes the termination codon of the gene. This copy number gain extends beyond the assayed region for this gene and therefore may encompass additional genes. As the precise location of this event is unknown, it may be in tandem or it may be located elsewhere in the genome. This variant has not been reported in the literature in individuals affected with GRIN1-related conditions. Experimental studies and prediction algorithms are not available or were not evaluated, and the functional significance of this variant is currently unknown. In summary, the available evidence is currently insufficient to determine the role of this variant in disease. Therefore, it has been classified as a Variant of Uncertain Significance.

NC_000009.11:g.(?_140036445)_(140138008_?)dup

Genes: ANAPC2 (anaphase promoting complex subunit 2; minus strand), CYSRT1 (cysteine rich tail 1; plus strand), GRIN1 (glutamate ionotropic receptor NMDA type subunit 1; plus strand), LRRC26 (leucine rich repeat containing 26; minus strand), NDOR1 (NADPH dependent diflavin oxidoreductase 1; plus strand) and 8 more. Cytogenetic location: 9q34.3.
Variant type: Duplication.
Identifiers: ClinVar variation 2425752 (VCV002425752.3).